The following is an entry in ClinVar:

NC_000002.12:g.(?_127654414)_(127657572_?)del

Gene: LIMS2 (LIM zinc finger domain containing 2; minus strand). Cytogenetic location: 2q14.3.
Variant type: Deletion.
Identifiers: ClinVar variation 656815 (VCV000656815.2).

ClinVar aggregate classification (germline): Uncertain significance (1 of 4 stars; one submission).

Conditions:
Autosomal recessive limb-girdle muscular dystrophy type 2W (MDRCMTT). Also called: Muscular dystrophy, limb-girdle, type 2W; Muscular dystrophy, autosomal recessive, with cardiomyopathy and triangular tongue. Identifiers: MedGen C4225192, MONDO:0014788, OMIM 616827.

Submission:

Labcorp Genetics (formerly Invitae), Labcorp
Classification: Uncertain significance for Muscular dystrophy, limb-girdle, type 2W. Last evaluated: 2019-04-05. Review status: criteria provided, single submitter. Criteria: Invitae Variant Classification Sherloc (09022015). Collection method: clinical testing. Allele origin: germline.
Comment: This variant is an in-frame deletion of the genomic region encompassing exons 2-4 of the LIMS2 gene. It preserves the integrity of the reading frame. This variant has not been reported in the literature in individuals with LIMS2-related disease. Experimental studies and prediction algorithms are not available for this variant, and the functional significance of the affected amino acid(s) is currently unknown. In summary, the available evidence is currently insufficient to determine the role of this variant in disease. Therefore, it has been classified as a Variant of Uncertain Significance.